The following is an entry in ClinVar:

NM_000211.5(ITGB2):c.1224+5G>A

Gene: ITGB2 (integrin subunit beta 2; minus strand). Cytogenetic location: 21q22.3.
Variant type: single nucleotide variant.
Coding change: c.1224+5G>A on transcript NM_000211.5 (MANE Select); 5 bases into the intron after coding-DNA position 1224, G replaced by A.
Molecular consequence: intron variant.
Genome position (GRCh38, 1-based): chr21:44,893,399, C>T on the plus strand (G>A on the coding strand, the complement: ITGB2 is on the minus strand). VCF-style: chr21-44893399-C-T. GRCh37 (hg19) VCF-style: chr21-46313314-C-T.
Other names: c.1224+5G>A (NM_001127491.3); c.1017+5G>A (NM_001303238.2).
Identifiers: ClinVar variation 1061147 (VCV001061147.7), dbSNP rs2146508114, ClinGen allele CA2499225984.

ClinVar aggregate classification (germline): Uncertain significance (1 of 4 stars; one submission).

Conditions:
Leukocyte adhesion deficiency 1 (LAD1). Also called: LEUKOCYTE ADHESION DEFICIENCY, TYPE I; LAD 1; Lymphocyte function-associated antigen 1 immunodeficiency; LFA 1 immunodeficiency. Identifiers: Orphanet 2968, Orphanet 99842, MedGen C0398738, MONDO:0007293, OMIM 116920.

Submission:

Labcorp Genetics (formerly Invitae), Labcorp
Classification: Uncertain significance for Leukocyte adhesion deficiency 1. Last evaluated: 2020-09-09. Review status: criteria provided, single submitter. Criteria: Invitae Variant Classification Sherloc (09022015). Collection method: clinical testing. Allele origin: germline.
Comment: Nucleotide substitutions within the consensus splice site are a relatively common cause of aberrant splicing (PMID: 17576681, 9536098). Algorithms developed to predict the effect of sequence changes on RNA splicing suggest that this variant may disrupt the consensus splice site, but this prediction has not been confirmed by published transcriptional studies. This sequence change falls in intron 10 of the ITGB2 gene. It does not directly change the encoded amino acid sequence of the ITGB2 protein, but it affects a nucleotide within the consensus splice site of the intron. This variant is not present in population databases (ExAC no frequency). This variant has not been reported in the literature in individuals with ITGB2-related conditions. In summary, the available evidence is currently insufficient to determine the role of this variant in disease. Therefore, it has been classified as a Variant of Uncertain Significance.

Literature cited by the submitters: PubMed 17576681; PubMed 9536098.